The following is an entry in ClinVar:

NM_004387.4(NKX2-5):c.353A>C (p.Lys118Thr)

Gene: NKX2-5 (NK2 homeobox 5; minus strand). Cytogenetic location: 5q35.1.
Variant type: single nucleotide variant.
Coding change: c.353A>C on transcript NM_004387.4 (MANE Select); coding-DNA position 353, A replaced by C.
Protein change: p.Lys118Thr; replaces lysine 118 with threonine.
Molecular consequence: missense variant. On other transcripts: 3 prime UTR variant (2).
Genome position (GRCh38, 1-based): chr5:173,233,191, T>G on the plus strand (A>C on the coding strand, the complement: NKX2-5 is on the minus strand). VCF-style: chr5-173233191-T-G. GRCh37 (hg19) VCF-style: chr5-172660194-T-G.
Other names: c.*306A>C (NM_001166175.2); c.*152A>C (NM_001166176.2); short protein forms K118T.
Identifiers: ClinVar variation 1803531 (VCV001803531.1), dbSNP rs2480073704, ClinGen allele CA362162030.
Genomic context (GRCh38, chr5:173,233,191, plus strand): 5'-CGCCGTCGCGCCCGGGGCCGCTCCGCGTTGTCCGCCTCTGTCTTCTCCAGCTCCACCGCC[T>G]TCTGCAGCGCGCACAGCTCTGAGGGGGAACAGAGAGGCAGAGAGACGCTTGGTAAGAGCG-3'
Protein context (NP_004378.1, residues 108-128): AEKKELCALQ[Lys118Thr]AVELEKTEAD

ClinVar aggregate classification (germline): Uncertain significance (1 of 4 stars; one submission).

Submission:

GeneDx
Classification: Uncertain significance. Last evaluated: 2022-06-10. Review status: criteria provided, single submitter. Criteria: GeneDx Variant Classification Process June 2021. Collection method: clinical testing. Allele origin: germline. Affected: yes.
Comment: Has not been previously published as pathogenic or benign to our knowledge; Not observed at significant frequency in large population cohorts (gnomAD); In silico analysis supports that this missense variant has a deleterious effect on protein structure/function